The following is an entry in ClinVar:

ClinVar aggregate classification (germline): Uncertain significance (1 of 4 stars; one submission).

Conditions:
Cardiovascular phenotype. Identifiers: MedGen CN230736.

gnomAD v4.1: 1 of 1,549,068 alleles (0.000065%); highest among the groups gnomAD compares: Non-Finnish European, 0.000087%; no homozygotes.

Submission:

Ambry Genetics
Classification: Uncertain significance for Cardiovascular phenotype. Last evaluated: 2024-06-16. Review status: criteria provided, single submitter. Criteria: Ambry Variant Classification Scheme 2023. Collection method: clinical testing. Allele origin: germline.
Comment: The p.A2645G variant (also known as c.7934C>G), located in coding exon 2 of the ZNF469 gene, results from a C to G substitution at nucleotide position 7934. The alanine at codon 2645 is replaced by glycine, an amino acid with similar properties. This amino acid position is conserved. In addition, this alteration is predicted to be tolerated by in silico analysis. Based on the available evidence, the clinical significance of this variant remains unclear.

NM_001367624.2(ZNF469):c.8018C>G (p.Ala2673Gly)

Gene: ZNF469 (zinc finger protein 469; plus strand). Cytogenetic location: 16q24.2.
Variant type: single nucleotide variant.
Coding change: c.8018C>G on transcript NM_001367624.2 (MANE Select); coding-DNA position 8018, C replaced by G.
Protein change: p.Ala2673Gly; replaces alanine 2673 with glycine.
Molecular consequence: missense variant.
Genome position (GRCh38, 1-based): chr16:88,435,488, C>G. VCF-style: chr16-88435488-C-G. GRCh37 (hg19) VCF-style: chr16-88501896-C-G.
Other names: NM_001127464.1:c.7934C>G; short protein forms A2673G.
Identifiers: ClinVar variation 3258191 (VCV003258191.1).
Genomic context (GRCh38, chr16:88,435,488, plus strand): 5'-CTGATGTGATTTCAGATGGGCGCGGCTCCAGACCATCCCCTGCAATGGCCAGTTACGCAG[C>G]CTCTCCGAGCCACTGCCTCTCTGTGGAAGGAGGGCCTGAGGCTGACGGGGAGCAGCCGCC-3'
Protein context (NP_001354553.1, residues 2663-2683): RPSPAMASYA[Ala2673Gly]SPSHCLSVEG